The following is an entry in ClinVar:

ClinVar aggregate classification (germline): Uncertain significance. Review status: criteria provided, multiple submitters, no conflicts (2 of 4 stars). 3 submissions from 3 submitters: Uncertain significance (3). Last evaluated 2023-11-10.

Conditions:
Inborn genetic diseases. Identifiers: MedGen C0950123, MeSH D030342.
Autosomal recessive spastic paraplegia type 78. Identifiers: Orphanet 513436, MedGen C5567893, MONDO:0014975, OMIM 617225.
Kufor-Rakeb syndrome (KRS). Also called: PARKINSON DISEASE 9, AUTOSOMAL RECESSIVE, JUVENILE-ONSET. Identifiers: Orphanet 306674, Orphanet 314632, MedGen C1847640, MONDO:0011706, OMIM 606693.

Allele frequency attached by ClinVar (database versions not stated): gnomAD 0.00001; TOPMed 0.00001; ExAC 0.00002.
gnomAD v4.1: 37 of 1,613,920 alleles (0.0023%); highest among the groups gnomAD compares: South Asian, 0.024%; no homozygotes.

Submissions (3):

Revvity Omics, Revvity
Classification: Uncertain significance. Last evaluated: 2023-11-10. Review status: criteria provided, single submitter. Criteria: ACMG Guidelines, 2015. Collection method: clinical testing. Allele origin: germline.

Labcorp Genetics (formerly Invitae), Labcorp
Classification: Uncertain significance for Kufor-Rakeb syndrome; Autosomal recessive spastic paraplegia type 78. Last evaluated: 2023-04-24. Review status: criteria provided, single submitter. Criteria: Invitae Variant Classification Sherloc (09022015). Collection method: clinical testing. Allele origin: germline.
Comment: This sequence change replaces arginine, which is basic and polar, with glutamine, which is neutral and polar, at codon 449 of the ATP13A2 protein (p.Arg449Gln). In summary, the available evidence is currently insufficient to determine the role of this variant in disease. Therefore, it has been classified as a Variant of Uncertain Significance. Advanced modeling of protein sequence and biophysical properties (such as structural, functional, and spatial information, amino acid conservation, physicochemical variation, residue mobility, and thermodynamic stability) performed at Invitae indicates that this missense variant is not expected to disrupt ATP13A2 protein function. ClinVar contains an entry for this variant (Variation ID: 2053515). This missense change has been observed in individual(s) with ATP13A2-related conditions (PMID: 19705361). This variant is present in population databases (rs774585729, gnomAD 0.01%).

Ambry Genetics
Classification: Uncertain significance for Inborn genetic diseases. Last evaluated: 2021-02-01. Review status: criteria provided, single submitter. Criteria: Ambry Variant Classification Scheme 2023. Collection method: clinical testing. Allele origin: germline.

Literature cited by the submitters: PubMed 19705361 (cited by Labcorp Genetics (formerly Invitae), Labcorp).

NM_022089.4(ATP13A2):c.1346G>A (p.Arg449Gln)

Gene: ATP13A2 (ATPase cation transporting 13A2; minus strand). Cytogenetic location: 1p36.13.
Variant type: single nucleotide variant.
Coding change: c.1346G>A on transcript NM_022089.4 (MANE Select); coding-DNA position 1346, G replaced by A.
Protein change: p.Arg449Gln; replaces arginine 449 with glutamine.
Molecular consequence: missense variant.
Genome position (GRCh38, 1-based): chr1:16,996,261, C>T on the plus strand (G>A on the coding strand, the complement: ATP13A2 is on the minus strand). VCF-style: chr1-16996261-C-T. GRCh37 (hg19) VCF-style: chr1-17322756-C-T.
Other names: c.1331G>A, p.Arg444Gln (NM_001141973.3, NM_001141974.3); short protein forms R449Q, R444Q.
Identifiers: ClinVar variation 2053515 (VCV002053515.7), dbSNP rs774585729, ClinGen allele CA637259.